The following is an entry in ClinVar:

NM_005502.4(ABCA1):c.1708A>C (p.Lys570Gln)

Gene: ABCA1 (ATP binding cassette subfamily A member 1; minus strand). Cytogenetic location: 9q31.1.
Variant type: single nucleotide variant.
Coding change: c.1708A>C on transcript NM_005502.4 (MANE Select); coding-DNA position 1708, A replaced by C.
Protein change: p.Lys570Gln; replaces lysine 570 with glutamine.
Molecular consequence: missense variant.
Genome position (GRCh38, 1-based): chr9:104,831,629, T>G on the plus strand (A>C on the coding strand, the complement: ABCA1 is on the minus strand). VCF-style: chr9-104831629-T-G. GRCh37 (hg19) VCF-style: chr9-107593910-T-G.
Other names: short protein forms K570Q.
Identifiers: ClinVar variation 1998836 (VCV001998836.4), dbSNP rs2538180045, ClinGen allele CA374324491.
Genomic context (GRCh38, chr9:104,831,629, plus strand): 5'-TAGGTGCTCTGGACCTCCCCAAGACCAGGCTGGTGTGATGGGATTCCACTTACCCATCCT[T>G]GATTTTATTTGTCCTCTCCACATTGTCAATGTCCATTCGGATCTTGTACTTGACATGATG-3'
Protein context (NP_005493.2, residues 560-580): IDNVERTNKI[Lys570Gln]DGYWDPGPRA

ClinVar aggregate classification (germline): Uncertain significance (1 of 4 stars; one submission).

Submission:

Labcorp Genetics (formerly Invitae), Labcorp
Classification: Uncertain significance. Last evaluated: 2023-10-03. Review status: criteria provided, single submitter. Criteria: Invitae Variant Classification Sherloc (09022015). Collection method: clinical testing. Allele origin: germline.
Comment: This sequence change replaces lysine, which is basic and polar, with glutamine, which is neutral and polar, at codon 570 of the ABCA1 protein (p.Lys570Gln). This variant is not present in population databases (gnomAD no frequency). This variant has not been reported in the literature in individuals affected with ABCA1-related conditions. ClinVar contains an entry for this variant (Variation ID: 1998836). Advanced modeling of protein sequence and biophysical properties (such as structural, functional, and spatial information, amino acid conservation, physicochemical variation, residue mobility, and thermodynamic stability) performed at Invitae indicates that this missense variant is not expected to disrupt ABCA1 protein function. In summary, the available evidence is currently insufficient to determine the role of this variant in disease. Therefore, it has been classified as a Variant of Uncertain Significance.